The following is an entry in ClinVar:

NM_005257.6(GATA6):c.829C>T (p.Arg277Trp)

Gene: GATA6 (GATA binding protein 6; plus strand). Cytogenetic location: 18q11.2.
Variant type: single nucleotide variant.
Coding change: c.829C>T on transcript NM_005257.6 (MANE Select); coding-DNA position 829, C replaced by T.
Protein change: p.Arg277Trp; replaces arginine 277 with tryptophan.
Molecular consequence: missense variant.
Genome position (GRCh38, 1-based): chr18:22,171,973, C>T. VCF-style: chr18-22171973-C-T. GRCh37 (hg19) VCF-style: chr18-19751934-C-T.
Other names: short protein forms R277W.
Identifiers: ClinVar variation 1350437 (VCV001350437.8), dbSNP rs2143277600, ClinGen allele CA401801009.

ClinVar aggregate classification (germline): Uncertain significance (1 of 4 stars; one submission).

Conditions:
Atrioventricular septal defect 5 (AVSD5). Identifiers: MedGen C3280939, MONDO:0013769, OMIM 614474.

Submission:

Labcorp Genetics (formerly Invitae), Labcorp
Classification: Uncertain significance for Atrioventricular septal defect 5. Last evaluated: 2022-03-08. Review status: criteria provided, single submitter. Criteria: Invitae Variant Classification Sherloc (09022015). Collection method: clinical testing. Allele origin: germline.
Comment: In summary, the available evidence is currently insufficient to determine the role of this variant in disease. Therefore, it has been classified as a Variant of Uncertain Significance. Algorithms developed to predict the effect of missense changes on protein structure and function are either unavailable or do not agree on the potential impact of this missense change (SIFT: "Deleterious"; PolyPhen-2: "Probably Damaging"; Align-GVGD: "Class C0"). This variant has not been reported in the literature in individuals affected with GATA6-related conditions. This variant is not present in population databases (gnomAD no frequency). This sequence change replaces arginine, which is basic and polar, with tryptophan, which is neutral and slightly polar, at codon 277 of the GATA6 protein (p.Arg277Trp).